The following is an entry in ClinVar:

NM_001171.6(ABCC6):c.1735A>G (p.Lys579Glu)

Gene: ABCC6 (ATP binding cassette subfamily C member 6; minus strand). Cytogenetic location: 16p13.11.
Variant type: single nucleotide variant.
Coding change: c.1735A>G on transcript NM_001171.6 (MANE Select); coding-DNA position 1735, A replaced by G.
Protein change: p.Lys579Glu; replaces lysine 579 with glutamic acid.
Molecular consequence: missense variant. On other transcripts: non-coding transcript variant (1).
Genome position (GRCh38, 1-based): chr16:16,188,875, T>C on the plus strand (A>G on the coding strand, the complement: ABCC6 is on the minus strand). VCF-style: chr16-16188875-T-C. GRCh37 (hg19) VCF-style: chr16-16282732-T-C.
Other names: c.1393A>G, p.Lys465Glu (NM_001351800.1); short protein forms K579E, K465E.
Identifiers: ClinVar variation 1512578 (VCV001512578.10), dbSNP rs749017755, ClinGen allele CA7926191.

ClinVar aggregate classification (germline): Uncertain significance. Review status: criteria provided, multiple submitters, no conflicts (2 of 4 stars). 2 submissions from 2 submitters: Uncertain significance (2). Last evaluated 2024-02-12.

Conditions:
Arterial calcification, generalized, of infancy, 2. Identifiers: Orphanet 51608, MedGen C3276161, MONDO:0013768, OMIM 614473.
Autosomal recessive inherited pseudoxanthoma elasticum (PXE). Identifiers: Orphanet 758, MedGen CN032334, MONDO:0009925, OMIM 264800.
Pseudoxanthoma elasticum, forme fruste. Also called: Pseudoxanthoma Elasticum, Incomplete; PSEUDOXANTHOMA ELASTICUM, HETEROZYGOUS. Identifiers: Orphanet 758, MedGen C1867450, MONDO:0008333, OMIM 177850.

Allele frequency attached by ClinVar (database versions not stated): gnomAD exomes below 0.00001; ExAC 0.00001; gnomAD 0.00001 and 0.00002; TOPMed 0.00001.
gnomAD v4.1: 3 of 1,613,946 alleles (0.00019%); highest among the groups gnomAD compares: African/African-American, 0.004%; no homozygotes.

Submissions (2):

Fulgent Genetics
Classification: Uncertain significance for Pseudoxanthoma elasticum, forme fruste; Autosomal recessive inherited pseudoxanthoma elasticum; Arterial calcification, generalized, of infancy, 2. Last evaluated: 2024-02-12. Review status: criteria provided, single submitter. Criteria: ACMG Guidelines, 2015. Collection method: clinical testing. Allele origin: germline.

Labcorp Genetics (formerly Invitae), Labcorp
Classification: Uncertain significance. Last evaluated: 2022-10-24. Review status: criteria provided, single submitter. Criteria: Invitae Variant Classification Sherloc (09022015). Collection method: clinical testing. Allele origin: germline.
Comment: This sequence change replaces lysine, which is basic and polar, with glutamic acid, which is acidic and polar, at codon 579 of the ABCC6 protein (p.Lys579Glu). This variant is present in population databases (rs749017755, gnomAD 0.008%). In summary, the available evidence is currently insufficient to determine the role of this variant in disease. Therefore, it has been classified as a Variant of Uncertain Significance. This variant has not been reported in the literature in individuals affected with ABCC6-related conditions. ClinVar contains an entry for this variant (Variation ID: 1512578). Advanced modeling of protein sequence and biophysical properties (such as structural, functional, and spatial information, amino acid conservation, physicochemical variation, residue mobility, and thermodynamic stability) performed at Invitae indicates that this missense variant is not expected to disrupt ABCC6 protein function.